The following is an entry in ClinVar:

NM_004946.3(DOCK2):c.4894C>T (p.Arg1632Cys)

Gene: DOCK2 (dedicator of cytokinesis 2; plus strand). Cytogenetic location: 5q35.1.
Variant type: single nucleotide variant.
Coding change: c.4894C>T on transcript NM_004946.3 (MANE Select); coding-DNA position 4894, C replaced by T.
Protein change: p.Arg1632Cys; replaces arginine 1632 with cysteine.
Molecular consequence: missense variant. On other transcripts: non-coding transcript variant (1).
Genome position (GRCh38, 1-based): chr5:170,077,737, C>T. VCF-style: chr5-170077737-C-T. GRCh37 (hg19) VCF-style: chr5-169504741-C-T.
Other names: short protein forms R1632C.
Identifiers: ClinVar variation 834163 (VCV000834163.7), dbSNP rs777933225, ClinGen allele CA3554692.

ClinVar aggregate classification (germline): Uncertain significance (1 of 4 stars; one submission).

Conditions:
DOCK2 deficiency. Also called: Immunodeficiency 40. Identifiers: Orphanet 447737, MedGen C4225328, MONDO:0014637, OMIM 616433.

Allele frequency attached by ClinVar (database versions not stated): gnomAD 0.00001; gnomAD exomes 0.00001 and 0.00003; ExAC 0.00002.
gnomAD v4.1: 18 of 1,613,718 alleles (0.0011%); highest among the groups gnomAD compares: Admixed American, 0.0017%; no homozygotes.

Submission:

Labcorp Genetics (formerly Invitae), Labcorp
Classification: Uncertain significance for DOCK2 deficiency. Last evaluated: 2021-08-22. Review status: criteria provided, single submitter. Criteria: Invitae Variant Classification Sherloc (09022015). Collection method: clinical testing. Allele origin: germline.
Comment: This sequence change replaces arginine with cysteine at codon 1632 of the DOCK2 protein (p.Arg1632Cys). The arginine residue is moderately conserved and there is a large physicochemical difference between arginine and cysteine. This variant is present in population databases (rs777933225, ExAC 0.003%). This variant has not been reported in the literature in individuals with DOCK2-related conditions. Algorithms developed to predict the effect of missense changes on protein structure and function are either unavailable or do not agree on the potential impact of this missense change (SIFT: "Deleterious"; PolyPhen-2: "Possibly Damaging"; Align-GVGD: "Class C0"). In summary, the available evidence is currently insufficient to determine the role of this variant in disease. Therefore, it has been classified as a Variant of Uncertain Significance.